The following is an entry in ClinVar:

NM_000245.4(MET):c.2584-10T>C

Gene: MET (MET proto-oncogene, receptor tyrosine kinase; plus strand). Cytogenetic location: 7q31.2.
Variant type: single nucleotide variant.
Coding change: c.2584-10T>C on transcript NM_000245.4 (MANE Select); 10 bases into the intron before coding-DNA position 2584, T replaced by C.
Molecular consequence: intron variant.
Genome position (GRCh38, 1-based): chr7:116,769,635, T>C. VCF-style: chr7-116769635-T-C. GRCh37 (hg19) VCF-style: chr7-116409689-T-C.
Other names: c.2638-10T>C (NM_001127500.3); c.1294-10T>C (NM_001324402.2); c.2584-10T>C (NM_001324401.3).
Identifiers: ClinVar variation 1110907 (VCV001110907.10), dbSNP rs1308148206, ClinGen allele CA832017851.

ClinVar aggregate classification (germline): Likely benign. Review status: criteria provided, multiple submitters, no conflicts (2 of 4 stars). 2 submissions from 2 submitters: Likely benign (2). Last evaluated 2026-01-18.

Conditions:
Papillary renal cell carcinoma type 1 (RCCP1). Also called: Renal adenocarcinoma; Renal cell carcinoma 1; Renal cell carcinoma, somatic; RENAL CELL CARCINOMA, PAPILLARY, 1, SOMATIC. Identifiers: Orphanet 47044, MedGen C1336839, OMIM 605074, HP:0011797.
Renal cell carcinoma. Identifiers: Orphanet 217071, MedGen C0007134, MeSH D002292, MONDO:0005086, HP:0005584.

Submissions (2):

Labcorp Genetics (formerly Invitae), Labcorp
Classification: Likely benign for Renal cell carcinoma. Last evaluated: 2026-01-18. Review status: criteria provided, single submitter. Criteria: Invitae Variant Classification Sherloc (09022015). Collection method: clinical testing. Allele origin: germline.

Myriad Genetics, Inc.
Classification: Likely benign for Papillary renal cell carcinoma type 1. Last evaluated: 2024-11-12. Review status: criteria provided, single submitter. Criteria: Myriad Autosomal Dominant, Autosomal Recessive and X-Linked Classification Criteria (2023). Collection method: clinical testing. Allele origin: unknown.
Comment: This variant is considered likely benign. This variant is intronic and is not expected to impact mRNA splicing.